The following is an entry in ClinVar:

ClinVar aggregate classification (germline): Benign/Likely benign. Review status: criteria provided, multiple submitters, no conflicts (2 of 4 stars). 3 submissions from 3 submitters: Benign (1); Likely benign (2). Last evaluated 2025-07-01.

Conditions:
Pheochromocytoma/paraganglioma syndrome 5. Also called: Paragangliomas 5; SDHA-Related Hereditary Paraganglioma-Pheochromocytoma Syndrome. Identifiers: Orphanet 29072, MedGen C3279992, MONDO:0013602, OMIM 614165.
Mitochondrial complex II deficiency, nuclear type 1. Also called: SUCCINATE CoQ REDUCTASE DEFICIENCY. Identifiers: Orphanet 3208, MedGen C5700310, MONDO:0100294, OMIM 252011.

Allele frequency attached by ClinVar (database versions not stated): gnomAD exomes below 0.00001.
gnomAD v4.1: 2 of 1,613,398 alleles (0.00012%); highest among the groups gnomAD compares: South Asian, 0.0022%; no homozygotes.

Submissions (3):

Quest Diagnostics Nichols Institute San Juan Capistrano
Classification: Likely benign. Last evaluated: 2025-07-01. Review status: criteria provided, single submitter. Criteria: Quest Diagnostics criteria. Collection method: clinical testing. Allele origin: unknown.

Myriad Genetics, Inc.
Classification: Benign for Pheochromocytoma/paraganglioma syndrome 5. Last evaluated: 2025-02-28. Review status: criteria provided, single submitter. Criteria: Myriad Autosomal Dominant, Autosomal Recessive and X-Linked Classification Criteria (2023). Collection method: clinical testing. Allele origin: unknown.
Comment: This variant is considered benign. This variant is a silent/synonymous amino acid change and it is not expected to impact splicing.

Labcorp Genetics (formerly Invitae), Labcorp
Classification: Likely benign for Pheochromocytoma/paraganglioma syndrome 5; Mitochondrial complex II deficiency, nuclear type 1. Last evaluated: 2025-01-19. Review status: criteria provided, single submitter. Criteria: Invitae Variant Classification Sherloc (09022015). Collection method: clinical testing. Allele origin: germline.

NM_004168.4(SDHA):c.261A>G (p.Thr87=)

Gene: SDHA (succinate dehydrogenase complex flavoprotein subunit A; plus strand). Cytogenetic location: 5p15.33.
Variant type: single nucleotide variant.
Coding change: c.261A>G on transcript NM_004168.4 (MANE Select); coding-DNA position 261, A replaced by G.
Protein change: p.Thr87=; no amino-acid change (threonine 87 retained).
Molecular consequence: synonymous variant.
Genome position (GRCh38, 1-based): chr5:224,470, A>G. VCF-style: chr5-224470-A-G. GRCh37 (hg19) VCF-style: chr5-224585-A-G.
Other names: c.261A>G, p.Thr87= (NM_001294332.2, NM_001330758.2); c.261A>G (NM_004168.3).
Identifiers: ClinVar variation 1594571 (VCV001594571.10), dbSNP rs2126543070, ClinGen allele CA442690902.